The following is an entry in ClinVar:

NM_000492.4(CFTR):c.3873+5G>A

Genes: CFTR (CF transmembrane conductance regulator; plus strand), CFTR-AS2 (CFTR antisense RNA 2; minus strand). Cytogenetic location: 7q31.2.
Variant type: single nucleotide variant.
Coding change: c.3873+5G>A on transcript NM_000492.4 (MANE Select); 5 bases into the intron after coding-DNA position 3873, G replaced by A.
Molecular consequence: intron variant.
Genome position (GRCh38, 1-based): chr7:117,642,598, G>A. VCF-style: chr7-117642598-G-A. GRCh37 (hg19) VCF-style: chr7-117282652-G-A.
Identifiers: ClinVar variation 1735725 (VCV001735725.4), dbSNP rs2485160220, ClinGen allele CA2580076364.
Genomic context (GRCh38, chr7:117,642,598, plus strand): 5'-CTTGGGATTCAATAACTTTGCAACAGTGGAGGAAAGCCTTTGGAGTGATACCACAGGTGA[G>A]CAAAAGGACTTAGCCAGAAAAAAGGCAACTAAATTATATTTTTTACTGCTATTTGATACT-3'

ClinVar aggregate classification (germline): Uncertain significance. Review status: criteria provided, multiple submitters, no conflicts (2 of 4 stars). 2 submissions from 2 submitters: Uncertain significance (2). Last evaluated 2026-02-18.

Conditions:
Cystic fibrosis (CF). Also called: MUCOVISCIDOSIS. Identifiers: Orphanet 586, MedGen C0010674, MONDO:0009061, OMIM 219700. Disease mechanism: loss of function.

Submissions (2):

Ambry Genetics
Classification: Uncertain significance for Cystic fibrosis. Last evaluated: 2026-02-18. Review status: criteria provided, single submitter. Criteria: Ambry Variant Classification Scheme 2023. Collection method: clinical testing. Allele origin: germline.
Comment: The c.3873+5G>A intronic variant results from a G to A substitution 5 nucleotides after coding exon 23 in the CFTR gene. This nucleotide position is well conserved in available vertebrate species. In silico splice site analysis predicts that this alteration will weaken the native splice donor site. Since supporting evidence is limited at this time, the clinical significance of this alteration remains unclear.

Women's Health and Genetics/Laboratory Corporation of America, LabCorp
Classification: Uncertain significance. Last evaluated: 2023-06-08. Review status: criteria provided, single submitter. Criteria: LabCorp Variant Classification Summary - May 2015. Collection method: clinical testing. Allele origin: germline.